The following is an entry in ClinVar:

NM_003722.5(TP63):c.278T>C (p.Met93Thr)

Gene: TP63 (tumor protein p63; plus strand). Cytogenetic location: 3q28.
Variant type: single nucleotide variant.
Coding change: c.278T>C on transcript NM_003722.5 (MANE Select); coding-DNA position 278, T replaced by C.
Protein change: p.Met93Thr; replaces methionine 93 with threonine.
Molecular consequence: missense variant.
Genome position (GRCh38, 1-based): chr3:189,738,728, T>C. VCF-style: chr3-189738728-T-C. GRCh37 (hg19) VCF-style: chr3-189456517-T-C.
Other names: c.278T>C, p.Met93Thr (NM_001114978.2, NM_001114979.2, NM_001329144.2 and 1 more transcripts); c.272T>C, p.Met91Thr (NM_001329964.2); short protein forms M91T, M93T.
Identifiers: ClinVar variation 3900966 (VCV003900966.1).

ClinVar aggregate classification (germline): Uncertain significance (1 of 4 stars; one submission).

Submission:

GeneDx
Classification: Uncertain significance. Last evaluated: 2024-12-02. Review status: criteria provided, single submitter. Criteria: GeneDx Variant Classification Process June 2021. Collection method: clinical testing. Allele origin: germline. Affected: yes.
Comment: Not observed at significant frequency in large population cohorts (gnomAD); In silico analysis indicates that this missense variant does not alter protein structure/function; Has not been previously published as pathogenic or benign to our knowledge